The following is an entry in ClinVar:

NM_002473.6(MYH9):c.379C>A (p.Leu127Met)

Gene: MYH9 (myosin heavy chain 9; minus strand). Cytogenetic location: 22q12.3.
Variant type: single nucleotide variant.
Coding change: c.379C>A on transcript NM_002473.6 (MANE Select); coding-DNA position 379, C replaced by A.
Protein change: p.Leu127Met; replaces leucine 127 with methionine.
Molecular consequence: missense variant.
Genome position (GRCh38, 1-based): chr22:36,341,481, G>T on the plus strand (C>A on the coding strand, the complement: MYH9 is on the minus strand). VCF-style: chr22-36341481-G-T. GRCh37 (hg19) VCF-style: chr22-36737526-G-T.
Other names: short protein forms L127M.
Identifiers: ClinVar variation 3614745 (VCV003614745.2).

ClinVar aggregate classification (germline): Uncertain significance (1 of 4 stars; one submission).

Submission:

Labcorp Genetics (formerly Invitae), Labcorp
Classification: Uncertain significance. Last evaluated: 2025-09-25. Review status: criteria provided, single submitter. Criteria: Invitae Variant Classification Sherloc (09022015). Collection method: clinical testing. Allele origin: germline.
Comment: This sequence change replaces leucine, which is neutral and non-polar, with methionine, which is neutral and non-polar, at codon 127 of the MYH9 protein (p.Leu127Met). This variant is not present in population databases (gnomAD no frequency). This variant has not been reported in the literature in individuals affected with MYH9-related conditions. ClinVar contains an entry for this variant (Variation ID: 3614745). Invitae Evidence Modeling of protein sequence and biophysical properties (such as structural, functional, and spatial information, amino acid conservation, physicochemical variation, residue mobility, and thermodynamic stability) indicates that this missense variant is not expected to disrupt MYH9 protein function with a negative predictive value of 95%. In summary, the available evidence is currently insufficient to determine the role of this variant in disease. Therefore, it has been classified as a Variant of Uncertain Significance.